The following is an entry in ClinVar:

ClinVar aggregate classification (germline): Uncertain significance (1 of 4 stars; one submission).

Conditions:
Cardiovascular phenotype. Identifiers: MedGen CN230736.

Submission:

Ambry Genetics
Classification: Uncertain significance for Cardiovascular phenotype. Last evaluated: 2019-08-06. Review status: criteria provided, single submitter. Criteria: Ambry Variant Classification Scheme 2023. Collection method: clinical testing. Allele origin: germline.
Comment: The p.G381S variant (also known as c.1141G>A), located in coding exon 9 of the MAT2A gene, results from a G to A substitution at nucleotide position 1141. The glycine at codon 381 is replaced by serine, an amino acid with similar properties. This amino acid position is highly conserved in available vertebrate species. In addition, this alteration is predicted to be deleterious by in silico analysis. Since supporting evidence is limited at this time, the clinical significance of this alteration remains unclear.

NM_005911.6(MAT2A):c.1141G>A (p.Gly381Ser)

Genes: GGCX (gamma-glutamyl carboxylase; minus strand), MAT2A (methionine adenosyltransferase 2A; plus strand). Cytogenetic location: 2p11.2.
Variant type: single nucleotide variant.
Coding change: c.1141G>A on transcript NM_005911.6 (MANE Select); coding-DNA position 1141, G replaced by A.
Protein change: p.Gly381Ser; replaces glycine 381 with serine.
Molecular consequence: missense variant.
Genome position (GRCh38, 1-based): chr2:85,543,725, G>A. VCF-style: chr2-85543725-G-A. GRCh37 (hg19) VCF-style: chr2-85770848-G-A.
Other names: short protein forms G381S.
Identifiers: ClinVar variation 1731508 (VCV001731508.2), dbSNP rs2529635672, ClinGen allele CA347479161.